The following is an entry in ClinVar:

NM_000038.6(APC):c.7038A>G (p.Pro2346=)

Gene: APC (APC regulator of Wnt signaling pathway; plus strand). Cytogenetic location: 5q22.2.
Variant type: single nucleotide variant.
Coding change: c.7038A>G on transcript NM_000038.6 (MANE Select); coding-DNA position 7038, A replaced by G.
Protein change: p.Pro2346=; no amino-acid change (proline 2346 retained).
Molecular consequence: synonymous variant. On other transcripts: non-coding transcript variant (2).
Genome position (GRCh38, 1-based): chr5:112,842,632, A>G. VCF-style: chr5-112842632-A-G. GRCh37 (hg19) VCF-style: chr5-112178329-A-G.
Other names: c.7068A>G, p.Pro2356= (NM_001354897.2); c.7092A>G, p.Pro2364= (NM_001354896.2, NM_001407447.1, NM_001407448.1 and 1 more transcripts); c.6558A>G, p.Pro2186= (NM_001354905.2); c.7038A>G, p.Pro2346= (NM_001354895.2, NM_001127510.3, NM_001407450.1); c.6915A>G, p.Pro2305= (NM_001354900.2); c.6660A>G, p.Pro2220= (NM_001354904.2); c.6189A>G, p.Pro2063= (NM_001354906.2, NM_001407470.1); c.6954A>G, p.Pro2318= (NM_001354899.2); and 11 more.
Identifiers: ClinVar variation 2700543 (VCV002700543.4), dbSNP rs1580677722, ClinGen allele CA446210779.

ClinVar aggregate classification (germline): Benign/Likely benign. Review status: criteria provided, multiple submitters, no conflicts (2 of 4 stars). 2 submissions from 2 submitters: Benign (1); Likely benign (1). Last evaluated 2024-06-16.

Conditions:
Familial adenomatous polyposis 1 (FAP1). Also called: FAMILIAL ADENOMATOUS POLYPOSIS 1, ATTENUATED; POLYPOSIS, ADENOMATOUS INTESTINAL. Identifiers: MedGen C2713442, MONDO:0021056, OMIM 175100. Disease mechanism: loss of function.

Submissions (2):

Labcorp Genetics (formerly Invitae), Labcorp
Classification: Likely benign for Familial adenomatous polyposis 1. Last evaluated: 2024-06-16. Review status: criteria provided, single submitter. Criteria: Invitae Variant Classification Sherloc (09022015). Collection method: clinical testing. Allele origin: germline.

Myriad Genetics, Inc.
Classification: Benign for Familial adenomatous polyposis 1. Last evaluated: 2024-04-08. Review status: criteria provided, single submitter. Criteria: Myriad Autosomal Dominant, Autosomal Recessive and X-Linked Classification Criteria (2023). Collection method: clinical testing. Allele origin: unknown.
Comment: This variant is considered benign. This variant is a silent/synonymous amino acid change and it is not expected to impact splicing.